The following is an entry in ClinVar:

ClinVar aggregate classification (germline): Conflicting classifications of pathogenicity. Review status: criteria provided, conflicting classifications (1 of 4 stars). 3 submissions from 3 submitters: Uncertain significance (1); Likely benign (2). Last evaluated 2025-06-18.

Conditions:
Cardiomyopathy (CMYO). Also called: Cardiomyopathies. Identifiers: Orphanet 167848, MedGen C0878544, MONDO:0004994, HP:0001638. Inheritance: Various modes of inheritance.
Catecholaminergic polymorphic ventricular tachycardia 1. Also called: RYR2-Related Catecholaminergic Polymorphic Ventricular Tachycardia; VENTRICULAR TACHYCARDIA, CATECHOLAMINERGIC POLYMORPHIC, 1, WITH OR WITHOUT ATRIAL DYSFUNCTION AND/OR DILATED CARDIOMYOPATHY; VENTRICULAR TACHYCARDIA, STRESS-INDUCED POLYMORPHIC 1. Identifiers: Orphanet 3286, MedGen C1631597, MONDO:0011484, OMIM 604772.
Cardiovascular phenotype. Identifiers: MedGen CN230736.

Allele frequency attached by ClinVar (database versions not stated): ExAC 0.00001; gnomAD exomes 0.00001; TOPMed 0.00001; gnomAD 0.00002.
gnomAD v4.1: 12 of 1,613,722 alleles (0.00074%); highest among the groups gnomAD compares: African/African-American, 0.0053%; no homozygotes.

Submissions (3):

Ambry Genetics
Classification: Likely benign for Cardiovascular phenotype. Last evaluated: 2025-06-18. Review status: criteria provided, single submitter. Criteria: Ambry Variant Classification Scheme 2023. Collection method: clinical testing. Allele origin: germline.

Labcorp Genetics (formerly Invitae), Labcorp
Classification: Likely benign for Catecholaminergic polymorphic ventricular tachycardia 1. Last evaluated: 2024-04-25. Review status: criteria provided, single submitter. Criteria: Invitae Variant Classification Sherloc (09022015). Collection method: clinical testing. Allele origin: germline.

Color Diagnostics, LLC DBA Color Health
Classification: Uncertain significance for Cardiomyopathy. Last evaluated: 2023-10-18. Review status: criteria provided, single submitter. Criteria: ACMG Guidelines, 2015. Collection method: clinical testing. Allele origin: germline.
Comment: This missense variant replaces glutamic acid with lysine at codon 3262 of the RYR2 protein. Computational prediction suggests that this variant may not impact protein structure and function (internally defined REVEL score threshold <= 0.5, PMID: 27666373). To our knowledge, functional studies have not been reported for this variant. This variant has not been reported in individuals affected with RYR2-related disorders in the literature. This variant has been identified in 6/280292 chromosomes in the general population by the Genome Aggregation Database (gnomAD). The available evidence is insufficient to determine the role of this variant in disease conclusively. Therefore, this variant is classified as a Variant of Uncertain Significance.

NM_001035.3(RYR2):c.9784G>A (p.Glu3262Lys)

Gene: RYR2 (ryanodine receptor 2; plus strand). Cytogenetic location: 1q43.
Variant type: single nucleotide variant.
Coding change: c.9784G>A on transcript NM_001035.3 (MANE Select); coding-DNA position 9784, G replaced by A.
Protein change: p.Glu3262Lys; replaces glutamic acid 3262 with lysine.
Molecular consequence: missense variant.
Genome position (GRCh38, 1-based): chr1:237,707,152, G>A. VCF-style: chr1-237707152-G-A. GRCh37 (hg19) VCF-style: chr1-237870452-G-A.
Other names: c.9784G>A (NM_001035.2); short protein forms E3262K.
Identifiers: ClinVar variation 1972415 (VCV001972415.7), dbSNP rs752022110, ClinGen allele CA087960.